The following is an entry in ClinVar:

ClinVar aggregate classification (germline): Uncertain significance (1 of 4 stars; one submission).

Conditions:
CDK13-related disorder. Also called: CDK13-related condition. Identifiers: MedGen C5816700.

Submission:

GeneDx
Classification: Uncertain significance. Last evaluated: 2023-10-17. Review status: criteria provided, single submitter. Criteria: GeneDx Variant Classification Process June 2021. Collection method: clinical testing. Allele origin: germline. Affected: yes.
Comment: Not observed at significant frequency in large population cohorts (gnomAD); In silico analysis supports a deleterious effect on splicing; Has not been previously published as pathogenic or benign to our knowledge

NM_003718.5(CDK13):c.1872-3C>G

Gene: CDK13 (cyclin dependent kinase 13; plus strand). Cytogenetic location: 7p14.1.
Variant type: single nucleotide variant.
Coding change: c.1872-3C>G on transcript NM_003718.5 (MANE Select); 3 bases into the intron before coding-DNA position 1872, C replaced by G.
Molecular consequence: intron variant.
Genome position (GRCh38, 1-based): chr7:39,997,491, C>G. VCF-style: chr7-39997491-C-G. GRCh37 (hg19) VCF-style: chr7-40037090-C-G.
Other names: c.1872-3C>G (NM_031267.3).
Identifiers: ClinVar variation 2430289 (VCV002430289.3), dbSNP rs762610337, ClinGen allele CA2573332859.